The following is an entry in ClinVar:

ClinVar aggregate classification (germline): Uncertain significance (1 of 4 stars; one submission).

Submission:

Dasa
Classification: Uncertain significance. Last evaluated: 2026-04-02. Review status: criteria provided, single submitter. Criteria: DASA Assertion Criteria. Collection method: clinical testing. Allele origin: germline.
Comment: NM_001159699.2(FHL1):c.401A>G (p.Lys134Arg) is a missense variant that results in the substitution of lysine with arginine. This variant is rare in population databases. The currently available literature and clinical evidence are not sufficient to establish a definitive association between this variant and the reported condition. Therefore, this variant is classified as a variant of uncertain significance.

NM_001159699.2(FHL1):c.401A>G (p.Lys134Arg)

Gene: FHL1 (four and a half LIM domains 1; plus strand). Cytogenetic location: Xq26.3.
Variant type: single nucleotide variant.
Coding change: c.401A>G on transcript NM_001159699.2 (MANE Select); coding-DNA position 401, A replaced by G.
Protein change: p.Lys134Arg; replaces lysine 134 with arginine.
Molecular consequence: missense variant. On other transcripts: non-coding transcript variant (1).
Genome position (GRCh38, 1-based): chrX:136,207,813, A>G. VCF-style: chrX-136207813-A-G. GRCh37 (hg19) VCF-style: chrX-135289972-A-G.
Other names: c.353A>G, p.Lys118Arg (NM_001159700.2, NM_001159702.3, NM_001159703.2 and 9 more transcripts); c.440A>G, p.Lys147Arg (NM_001159701.2); c.401A>G, p.Lys134Arg (NM_001330659.2, NM_001440769.1); short protein forms K118R, K134R, K147R.
Identifiers: ClinVar variation 4882358 (VCV004882358.2).